The following is an entry in ClinVar:

ClinVar aggregate classification (germline): Conflicting classifications of pathogenicity. Review status: criteria provided, conflicting classifications (1 of 4 stars). 3 submissions from 3 submitters: Uncertain significance (1); Likely benign (2). Last evaluated 2024-12-02.

Conditions:
Pitt-Hopkins-like syndrome 2 (PTHSL2). Identifiers: Orphanet 221150, Orphanet 600663, MedGen C3280479, MONDO:0013690, OMIM 614325.

Allele frequency attached by ClinVar (database versions not stated): gnomAD 0.00002; TOPMed 0.00002; gnomAD exomes 0.00003; ExAC 0.00004.
gnomAD v4.1: 33 of 1,557,090 alleles (0.0021%); highest among the groups gnomAD compares: South Asian, 0.0086%; no homozygotes.

Submissions (3):

Labcorp Genetics (formerly Invitae), Labcorp
Classification: Likely benign for Pitt-Hopkins-like syndrome 2. Last evaluated: 2024-12-02. Review status: criteria provided, single submitter. Criteria: Invitae Variant Classification Sherloc (09022015). Collection method: clinical testing. Allele origin: germline.

GeneDx
Classification: Likely benign. Last evaluated: 2018-03-13. Review status: criteria provided, single submitter. Criteria: GeneDx Variant Classification (06012015). Collection method: clinical testing. Allele origin: germline. Affected: yes.
Comment: This variant is considered likely benign or benign based on one or more of the following criteria: it is a conservative change, it occurs at a poorly conserved position in the protein, it is predicted to be benign by multiple in silico algorithms, and/or has population frequency not consistent with disease.

Eurofins Ntd Llc (ga)
Classification: Uncertain significance. Last evaluated: 2013-09-06. Review status: criteria provided, single submitter. Criteria: EGL Classification Definitions 2015. Collection method: clinical testing. Allele origin: germline. Observed: 1 variant allele, 1 heterozygote.

NM_001330078.2(NRXN1):c.1320+10G>A

Gene: NRXN1 (neurexin 1; minus strand). Cytogenetic location: 2p16.3.
Variant type: single nucleotide variant.
Coding change: c.1320+10G>A on transcript NM_001330078.2 (MANE Select); 10 bases into the intron after coding-DNA position 1320, G replaced by A.
Molecular consequence: intron variant.
Genome position (GRCh38, 1-based): chr2:50,620,012, C>T on the plus strand (G>A on the coding strand, the complement: NRXN1 is on the minus strand). VCF-style: chr2-50620012-C-T. GRCh37 (hg19) VCF-style: chr2-50847150-C-T.
Other names: c.1236+10G>A (NM_001330096.2, NM_001330087.2); c.1281+10G>A (NM_001330083.2, NM_001330084.2); c.1266+10G>A (NM_001330088.2); c.1317+10G>A (NM_001330093.2); c.1308+10G>A (NM_001330094.2); c.1296+10G>A (NM_001330095.2, NM_001330082.2, NM_001330077.2); c.1320+10G>A (NM_001330085.2, NM_004801.6, NM_001330086.2); c.1440+10G>A (NM_001135659.3).
Identifiers: ClinVar variation 93586 (VCV000093586.12), dbSNP rs113028018, ClinGen allele CA221524.